The following is an entry in ClinVar:

ClinVar aggregate classification (germline): Likely pathogenic (1 of 4 stars; one submission).

Conditions:
Odonto-onycho-dermal dysplasia. Identifiers: Orphanet 2721, MedGen C0796093, MONDO:0009773, OMIM 257980.
Tooth agenesis, selective, 4 (STHAG4). Also called: LATERAL INCISORS, ABSENCE OF; LATERAL INCISORS, PEGGED OR MISSING; SUCCEDANEOUS TEETH, AGENESIS OF; TOOTH AGENESIS, SELECTIVE, 4, WITH OR WITHOUT ECTODERMAL DYSPLASIA. Identifiers: Orphanet 99798, MedGen C1835492, MONDO:0007881, OMIM 150400. Disease mechanism: loss of function.

Allele frequency attached by ClinVar (database versions not stated): gnomAD 0.00001; TOPMed 0.00002.
gnomAD v4.1: 20 of 1,613,988 alleles (0.0012%); highest among the groups gnomAD compares: South Asian, 0.0022%; no homozygotes.

Submission:

Labcorp Genetics (formerly Invitae), Labcorp
Classification: Likely pathogenic for Tooth agenesis, selective, 4; Odonto-onycho-dermal dysplasia. Last evaluated: 2023-09-01. Review status: criteria provided, single submitter. Criteria: Invitae Variant Classification Sherloc (09022015). Collection method: clinical testing. Allele origin: germline.
Comment: Advanced modeling of protein sequence and biophysical properties (such as structural, functional, and spatial information, amino acid conservation, physicochemical variation, residue mobility, and thermodynamic stability) performed at Invitae indicates that this missense variant is not expected to disrupt WNT10A protein function. This sequence change replaces alanine, which is neutral and non-polar, with threonine, which is neutral and polar, at codon 92 of the WNT10A protein (p.Ala92Thr). This variant is present in population databases (rs572942384, gnomAD 0.006%). This missense change has been observed in individual(s) with clinical features of odontoonychodermal dysplasia (Invitae). In at least one individual the data is consistent with being in trans (on the opposite chromosome) from a pathogenic variant. ClinVar contains an entry for this variant (Variation ID: 2156139). In summary, the currently available evidence indicates that the variant is pathogenic, but additional data are needed to prove that conclusively. Therefore, this variant has been classified as Likely Pathogenic.

NM_025216.3(WNT10A):c.274G>A (p.Ala92Thr)

Gene: WNT10A (Wnt family member 10A; plus strand). Cytogenetic location: 2q35.
Variant type: single nucleotide variant.
Coding change: c.274G>A on transcript NM_025216.3 (MANE Select); coding-DNA position 274, G replaced by A.
Protein change: p.Ala92Thr; replaces alanine 92 with threonine.
Molecular consequence: missense variant.
Genome position (GRCh38, 1-based): chr2:218,882,321, G>A. VCF-style: chr2-218882321-G-A. GRCh37 (hg19) VCF-style: chr2-219747043-G-A.
Other names: short protein forms A92T.
Identifiers: ClinVar variation 2156139 (VCV002156139.4), dbSNP rs572942384, ClinGen allele CA2113872.
Genomic context (GRCh38, chr2:218,882,321, plus strand): 5'-ATGGAGGTGTGTGTGCGTCACCCTGATGTGGCTGCCTCAGCCATACAGGGCATCCAGATC[G>A]CCATCCACGAATGCCAACACCAATTCAGGGACCAGCGCTGGAACTGCTCAAGCCTGGAGA-3'
Protein context (NP_079492.2, residues 82-102): AASAIQGIQI[Ala92Thr]IHECQHQFRD